The following is an entry in ClinVar:

ClinVar aggregate classification (germline): Conflicting classifications of pathogenicity. Review status: criteria provided, conflicting classifications (1 of 4 stars). 7 submissions from 7 submitters: Uncertain significance (3); Likely benign (3). 1 of the submissions does not count toward it. Last evaluated 2026-06-04.

Conditions:
Asphyxiating thoracic dystrophy 3. Also called: SHORT-RIB THORACIC DYSPLASIA 3 WITH OR WITHOUT POLYDACTYLY; POLYDACTYLY WITH NEONATAL CHONDRODYSTROPHY, TYPE I; SHORT-RIB THORACIC DYSPLASIA 3/6 WITH POLYDACTYLY, DIGENIC; Short rib polydactyly syndrome 2B; Saldino-Noonan Syndrome. Identifiers: Orphanet 474, Orphanet 93269, Orphanet 93270, Orphanet 93271, MedGen C0036069, MONDO:0013127, OMIM 613091.
Inborn genetic diseases. Identifiers: MedGen C0950123, MeSH D030342.
DYNC2H1-related disorder. Also called: DYNC2H1-related disorders; DYNC2H1-related condition. Identifiers: MedGen CN378770.
Jeune thoracic dystrophy. Also called: Jeune syndrome; Infantile thoracic dystrophy; Thoracic pelvic phalangeal dystrophy; Jeune's syndrome; Chondroectodermal dysplasia-like syndrome; Short-rib thoracic dysplasia. Identifiers: Orphanet 474, MedGen C0265275, MONDO:0018770.

Allele frequency attached by ClinVar (database versions not stated): gnomAD exomes 0.00015 and 0.00038; ExAC 0.00046; gnomAD 0.00163 and 0.00172; ESP Exome Variant Server 0.00167; TOPMed 0.00172; 1000 Genomes Project 0.00180; 1000 Genomes Project 30x 0.00187.
gnomAD v4.1: 471 of 1,613,044 alleles (0.029%); highest among the groups gnomAD compares: African/African-American, 0.56%; 5 homozygotes.

Submissions (7):

Ambry Genetics
Classification: Uncertain significance for Inborn genetic diseases. Last evaluated: 2026-06-04. Review status: criteria provided, single submitter. Criteria: Ambry Variant Classification Scheme 2023. Collection method: clinical testing. Allele origin: germline.
Comment: The c.5047C>T (p.L1683F) alteration is located in exon 33 (coding exon 33) of the DYNC2H1 gene. This alteration results from a C to T substitution at nucleotide position 5047, causing the leucine (L) at amino acid position 1683 to be replaced by a phenylalanine (F). Based on data from gnomAD, the T allele has an overall frequency of 0.053% (148/279292) total alleles studied. The highest observed frequency was 0.572% (138/24144) of African alleles. Based on insufficient or conflicting evidence, the clinical significance of this alteration remains unclear.

Labcorp Genetics (formerly Invitae), Labcorp
Classification: Likely benign for Jeune thoracic dystrophy. Last evaluated: 2026-01-28. Review status: criteria provided, single submitter. Criteria: Invitae Variant Classification Sherloc (09022015). Collection method: clinical testing. Allele origin: germline.

Blueprint Genetics
Classification: Likely benign. Last evaluated: 2024-11-25. Review status: criteria provided, single submitter. Criteria: ACMG Guidelines, 2015. Collection method: clinical testing. Allele origin: germline.

Baylor Genetics
Classification: Uncertain significance for Asphyxiating thoracic dystrophy 3. Last evaluated: 2019-08-29. Review status: criteria provided, single submitter. Criteria: ACMG Guidelines, 2015. Collection method: clinical testing. Allele origin: unknown. Affected: yes.
Comment: This variant was determined to be of uncertain significance according to ACMG Guidelines, 2015 [PMID:25741868].

GeneDx
Classification: Likely benign. Last evaluated: 2018-01-31. Review status: criteria provided, single submitter. Criteria: GeneDx Variant Classification (06012015). Collection method: clinical testing. Allele origin: germline. Affected: yes.
Comment: This variant is considered likely benign or benign based on one or more of the following criteria: it is a conservative change, it occurs at a poorly conserved position in the protein, it is predicted to be benign by multiple in silico algorithms, and/or has population frequency not consistent with disease.

Eurofins Ntd Llc (ga)
Classification: Uncertain significance. Last evaluated: 2017-04-14. Review status: criteria provided, single submitter. Criteria: EGL Classification Definitions 2015. Collection method: clinical testing. Allele origin: germline. Observed: 3 variant alleles, 3 heterozygotes.

PreventionGenetics, part of Exact Sciences
Classification: Likely benign for DYNC2H1-related condition. Last evaluated: 2020-03-12. Review status: no assertion criteria provided. Collection method: clinical testing. Allele origin: germline. Not counted in ClinVar's aggregate classification.
Comment: This variant is classified as likely benign based on ACMG/AMP sequence variant interpretation guidelines (Richards et al. 2015 PMID: 25741868, with internal and published modifications).

NM_001377.3(DYNC2H1):c.5047C>T (p.Leu1683Phe)

Gene: DYNC2H1 (dynein cytoplasmic 2 heavy chain 1; plus strand). Cytogenetic location: 11q22.3.
Variant type: single nucleotide variant.
Coding change: c.5047C>T on transcript NM_001377.3 (MANE Select); coding-DNA position 5047, C replaced by T.
Protein change: p.Leu1683Phe; replaces leucine 1683 with phenylalanine.
Molecular consequence: missense variant.
Genome position (GRCh38, 1-based): chr11:103,170,186, C>T. VCF-style: chr11-103170186-C-T. GRCh37 (hg19) VCF-style: chr11-103040915-C-T.
Other names: c.5047C>T, p.Leu1683Phe (NM_001080463.2); short protein forms L1683F.
Identifiers: ClinVar variation 290754 (VCV000290754.22), dbSNP rs201563576, ClinGen allele CA6253683.